The following is an entry in ClinVar:

NM_004285.4(H6PD):c.1195G>A (p.Val399Ile)

Gene: H6PD (hexose-6-phosphate dehydrogenase/glucose 1-dehydrogenase; plus strand). Cytogenetic location: 1p36.22.
Variant type: single nucleotide variant.
Coding change: c.1195G>A on transcript NM_004285.4 (MANE Select); coding-DNA position 1195, G replaced by A.
Protein change: p.Val399Ile; replaces valine 399 with isoleucine.
Molecular consequence: missense variant.
Genome position (GRCh38, 1-based): chr1:9,263,688, G>A. VCF-style: chr1-9263688-G-A. GRCh37 (hg19) VCF-style: chr1-9323747-G-A.
Other names: c.1228G>A, p.Val410Ile (NM_001282587.2); c.1195G>A (NM_004285.3); short protein forms V399I, V410I.
Identifiers: ClinVar variation 1431917 (VCV001431917.7), dbSNP rs369125646, ClinGen allele CA575234.

ClinVar aggregate classification (germline): Conflicting classifications of pathogenicity. Review status: criteria provided, conflicting classifications (1 of 4 stars). 2 submissions from 2 submitters: Uncertain significance (1); Likely benign (1). Last evaluated 2024-03-01.

Conditions:
Inborn genetic diseases. Identifiers: MedGen C0950123, MeSH D030342.

Allele frequency attached by ClinVar (database versions not stated): gnomAD exomes 0.00007 and 0.00022; ESP Exome Variant Server 0.00008; gnomAD 0.00011; TOPMed 0.00011; ExAC 0.00014; 1000 Genomes Project 30x 0.00016; 1000 Genomes Project 0.00020.

Submissions (2):

Ambry Genetics
Classification: Likely benign for Inborn genetic diseases. Last evaluated: 2024-03-01. Review status: criteria provided, single submitter. Criteria: Ambry Variant Classification Scheme 2023. Collection method: clinical testing. Allele origin: germline.

Labcorp Genetics (formerly Invitae), Labcorp
Classification: Uncertain significance. Last evaluated: 2023-11-10. Review status: criteria provided, single submitter. Criteria: Invitae Variant Classification Sherloc (09022015). Collection method: clinical testing. Allele origin: germline.
Comment: This sequence change replaces valine, which is neutral and non-polar, with isoleucine, which is neutral and non-polar, at codon 399 of the H6PD protein (p.Val399Ile). This variant is present in population databases (rs369125646, gnomAD 0.1%). This variant has not been reported in the literature in individuals affected with H6PD-related conditions. ClinVar contains an entry for this variant (Variation ID: 1431917). Advanced modeling of protein sequence and biophysical properties (such as structural, functional, and spatial information, amino acid conservation, physicochemical variation, residue mobility, and thermodynamic stability) performed at Invitae indicates that this missense variant is not expected to disrupt H6PD protein function with a negative predictive value of 80%. In summary, the available evidence is currently insufficient to determine the role of this variant in disease. Therefore, it has been classified as a Variant of Uncertain Significance.